The following is an entry in ClinVar:

ClinVar aggregate classification (germline): Uncertain significance (1 of 4 stars; one submission).

Conditions:
Duchenne muscular dystrophy (DMD). Also called: MUSCULAR DYSTROPHY, PSEUDOHYPERTROPHIC PROGRESSIVE, DUCHENNE TYPE; Duchenne Muscular Dystrophy (DMD). Identifiers: Orphanet 98896, MedGen C0013264, MONDO:0010679, OMIM 310200.

Submission:

Labcorp Genetics (formerly Invitae), Labcorp
Classification: Uncertain significance for Duchenne muscular dystrophy. Last evaluated: 2021-10-14. Review status: criteria provided, single submitter. Criteria: Invitae Variant Classification Sherloc (09022015). Collection method: clinical testing. Allele origin: germline.
Comment: This variant results in a copy number gain of the genomic region encompassing exon(s) 52-57 of the DMD gene. While the exact position of this variant cannot be determined from the data, sub-genic copy number gains are generally in tandem (PMID: 25640679). This variant is predicted to be in-frame, and likely preserves the integrity of the reading frame. A similar copy number variant has been observed in individuals with clinical features of Duchenne or Becker muscular dystrophy (PMID: 31081998; Invitae). In summary, the available evidence is currently insufficient to determine the role of this variant in disease. Therefore, it has been classified as a Variant of Uncertain Significance.

Literature cited by the submitters: PubMed 25640679; PubMed 31081998.

NC_000023.10:g.(?_31514885)_(31747885_?)dup

Gene: DMD (dystrophin; minus strand). Cytogenetic location: Xp21.1.
Variant type: Duplication.
Identifiers: ClinVar variation 1411052 (VCV001411052.6).